The following is an entry in ClinVar:

NM_004329.3(BMPR1A):c.317C>T (p.Ser106Phe)

Gene: BMPR1A (bone morphogenetic protein receptor type 1A; plus strand). Cytogenetic location: 10q23.2.
Variant type: single nucleotide variant.
Coding change: c.317C>T on transcript NM_004329.3 (MANE Select); coding-DNA position 317, C replaced by T.
Protein change: p.Ser106Phe; replaces serine 106 with phenylalanine.
Molecular consequence: missense variant. On other transcripts: non-coding transcript variant (3).
Genome position (GRCh38, 1-based): chr10:86,892,213, C>T. VCF-style: chr10-86892213-C-T. GRCh37 (hg19) VCF-style: chr10-88651970-C-T.
Other names: c.317C>T, p.Ser106Phe (NM_001406559.1, NM_001406560.1, NM_001406561.1 and 23 more transcripts); c.233C>T, p.Ser78Phe (NM_001406584.1, NM_001406585.1, NM_001406586.1 and 2 more transcripts); short protein forms S106F, S78F.
Identifiers: ClinVar variation 2450284 (VCV002450284.3), dbSNP rs2133408995, ClinGen allele CA377448298.
Genomic context (GRCh38, chr10:86,892,213, plus strand): 5'-TAGAAGAAGATGACCAGGGAGAAACCACATTAGCTTCAGGGTGTATGAAATATGAAGGAT[C>T]TGATTTTCAGTGCAAAGTAAGATATAATTTGGGACCCATGAGACAAAGAAGGGAGGGGCC-3'
Protein context (NP_004320.2, residues 96-116): LASGCMKYEG[Ser106Phe]DFQCKDSPKA

ClinVar aggregate classification (germline): Uncertain significance (1 of 4 stars; one submission).

Conditions:
Hereditary cancer-predisposing syndrome. Also called: Hereditary Cancer Syndrome; Hereditary neoplastic syndrome; Neoplastic Syndromes, Hereditary; Tumor predisposition. Identifiers: Orphanet 140162, MedGen C0027672, MeSH D009386, MONDO:0015356.

Submission:

Ambry Genetics
Classification: Uncertain significance for Hereditary cancer-predisposing syndrome. Last evaluated: 2026-08-17. Review status: criteria provided, single submitter. Criteria: Ambry Variant Classification Scheme 2023. Collection method: clinical testing. Allele origin: germline.
Comment: The p.S106F variant (also known as c.317C>T), located in coding exon 3 of the BMPR1A gene, results from a C to T substitution at nucleotide position 317. The serine at codon 106 is replaced by phenylalanine, an amino acid with highly dissimilar properties. This amino acid position is highly conserved in available vertebrate species. In addition, this alteration is predicted to be deleterious by in silico analysis. Based on the available evidence, the clinical significance of this variant remains unclear.